The following is an entry in ClinVar:

ClinVar aggregate classification (germline): Uncertain significance. Review status: criteria provided, multiple submitters, no conflicts (2 of 4 stars). 6 submissions from 6 submitters: Uncertain significance (6). Last evaluated 2026-06-10.

Conditions:
IFT172-related disorder. Also called: IFT172-related condition; IFT172-related disorders.
Retinitis pigmentosa 71 (RP71). Identifiers: Orphanet 791, MedGen C4225342, MONDO:0014618, OMIM 616394.
Short-rib thoracic dysplasia 10 with or without polydactyly (SRTD10). Identifiers: Orphanet 474, MedGen C3810175, MONDO:0014284, OMIM 615630.
Retinal dystrophy. Also called: Inherited retinal dystrophy. Identifiers: Orphanet 71862, MedGen C0854723, MeSH D058499, MONDO:0019118, HP:0000556.
Bardet-Biedl syndrome 20. Identifiers: MedGen C4310707, MONDO:0023670, OMIM 619471, MONDO:0014926.

Allele frequency attached by ClinVar (database versions not stated): gnomAD 0.00006 and 0.00005; ExAC 0.00002; gnomAD exomes 0.00002; TOPMed 0.00005.

Submissions (6):

PreventionGenetics, part of Exact Sciences
Classification: Uncertain significance for IFT172-related condition. Last evaluated: 2026-06-10. Review status: criteria provided, single submitter. Criteria: ACMG Guidelines, 2015. Collection method: clinical testing. Allele origin: germline.
Comment: The IFT172 c.2522C>T variant is predicted to result in the amino acid substitution p.Ala841Val. This variant has been reported in an individual with retinitis pigmentosa (Table S5, Koyanagi et al. 2019. PubMed ID: 31213501). This variant is reported in 0.011% of alleles in individuals of Latino descent in gnomAD. At this time, the clinical significance of this variant is uncertain due to the absence of conclusive functional and genetic evidence.

Labcorp Genetics (formerly Invitae), Labcorp
Classification: Uncertain significance for Retinitis pigmentosa 71; Short-rib thoracic dysplasia 10 with or without polydactyly. Last evaluated: 2025-04-21. Review status: criteria provided, single submitter. Criteria: Invitae Variant Classification Sherloc (09022015). Collection method: clinical testing. Allele origin: germline.
Comment: This sequence change replaces alanine, which is neutral and non-polar, with valine, which is neutral and non-polar, at codon 841 of the IFT172 protein (p.Ala841Val). This variant is present in population databases (rs762431558, gnomAD 0.01%). This variant has not been reported in the literature in individuals affected with IFT172-related conditions. ClinVar contains an entry for this variant (Variation ID: 860905). Invitae Evidence Modeling of protein sequence and biophysical properties (such as structural, functional, and spatial information, amino acid conservation, physicochemical variation, residue mobility, and thermodynamic stability) has been performed for this missense variant. However, the output from this modeling did not meet the statistical confidence thresholds required to predict the impact of this variant on IFT172 protein function. In summary, the available evidence is currently insufficient to determine the role of this variant in disease. Therefore, it has been classified as a Variant of Uncertain Significance.

Blueprint Genetics
Classification: Uncertain significance. Last evaluated: 2024-10-25. Review status: criteria provided, single submitter. Criteria: ACMG Guidelines, 2015. Collection method: clinical testing. Allele origin: germline.

Fulgent Genetics
Classification: Uncertain significance for Short-rib thoracic dysplasia 10 with or without polydactyly; Retinitis pigmentosa 71; Bardet-Biedl syndrome 20. Last evaluated: 2024-05-09. Review status: criteria provided, single submitter. Criteria: ACMG Guidelines, 2015. Collection method: clinical testing. Allele origin: germline.

Dept Of Ophthalmology, Nagoya University
Classification: Uncertain significance for Retinal dystrophy. Last evaluated: 2023-10-01. Review status: criteria provided, single submitter. Criteria: Submitter's publication. Collection method: research. Allele origin: germline. Affected: yes.

GeneDx
Classification: Uncertain significance. Last evaluated: 2022-02-08. Review status: criteria provided, single submitter. Criteria: GeneDx Variant Classification Process June 2021. Collection method: clinical testing. Allele origin: germline. Affected: yes.
Comment: Not observed at significant frequency in large population cohorts (gnomAD); In silico analysis supports that this missense variant has a deleterious effect on protein structure/function; Has not been previously published as pathogenic or benign to our knowledge

NM_015662.3(IFT172):c.2522C>T (p.Ala841Val)

Genes: IFT172 (intraflagellar transport 172; minus strand), LOC126806174 (CDK7 strongly-dependent group 2 enhancer GRCh37_chr2:27681686-27682885; plus strand). Cytogenetic location: 2p23.3.
Variant type: single nucleotide variant.
Coding change: c.2522C>T on transcript NM_015662.3 (MANE Select); coding-DNA position 2522, C replaced by T.
Protein change: p.Ala841Val; replaces alanine 841 with valine.
Molecular consequence: missense variant.
Genome position (GRCh38, 1-based): chr2:27,459,829, G>A on the plus strand (C>T on the coding strand, the complement: IFT172 is on the minus strand). VCF-style: chr2-27459829-G-A. GRCh37 (hg19) VCF-style: chr2-27682696-G-A.
Other names: short protein forms A841V.
Identifiers: ClinVar variation 860905 (VCV000860905.13), dbSNP rs762431558, ClinGen allele CA1580257.
Genomic context (GRCh38, chr2:27,459,829, plus strand): 5'-CCCCATGCCTCCTCTAGTTTCACCACCTCCACTGGGAAGGCCAATCGAGCCAGCTCTACC[G>A]CTGCCAGGGAGAGAAAAGATGCTCAGCCCAGATTTCCAGGGATGGGCCTCAGGAAAAAGG-3'
Protein context (NP_056477.1, residues 831-851): CYRKGNAFMK[Ala841Val]VELARLAFPV